The following is an entry in ClinVar:

NM_033305.3(VPS13A):c.7053T>C (p.Ala2351=)

Gene: VPS13A (vacuolar protein sorting 13 homolog A; plus strand). Cytogenetic location: 9q21.2.
Variant type: single nucleotide variant.
Coding change: c.7053T>C on transcript NM_033305.3 (MANE Select); coding-DNA position 7053, T replaced by C.
Protein change: p.Ala2351=; no amino-acid change (alanine 2351 retained).
Molecular consequence: synonymous variant.
Genome position (GRCh38, 1-based): chr9:77,344,179, T>C. VCF-style: chr9-77344179-T-C. GRCh37 (hg19) VCF-style: chr9-79959095-T-C.
Other names: c.6936T>C, p.Ala2312= (NM_001018037.2); c.7053T>C, p.Ala2351= (NM_001018038.3, NM_015186.4).
Identifiers: ClinVar variation 448870 (VCV000448870.20), dbSNP rs139753431, ClinGen allele CA5093203.
Genomic context (GRCh38, chr9:77,344,179, plus strand): 5'-TTATTTTTATAAACATATATAATGTATATTTTAGTGTATCCCCTTTTGGCCTGAGTATGC[T>C]TCTAGTAAACTTCTTATTCAAGTCGAAAGGAGTGAAGATCCTCCCAAAAGGATATATTTT-3'
Protein context (NP_150648.2, residues 2341-2361): EQCIPFWPEY[Ala2351=]SSKLLIQVER

ClinVar aggregate classification (germline): Benign. Review status: criteria provided, multiple submitters, no conflicts (2 of 4 stars). 6 submissions from 6 submitters: Benign (5). 1 of the submissions does not count toward it. Last evaluated 2026-01-25.

Conditions:
VPS13A-related neurodegenerative disease. Also called: LEVINE-CRITCHLEY SYNDROME; Choreoacanthocytosis; VPS13A Disease; Chorea-acanthocytosis; ACANTHOCYTOSIS WITH NEUROLOGIC DISORDER; Choreaacanthocytosis. Identifiers: Orphanet 2388, MedGen C0393576, MONDO:0008695, OMIM 200150.

Allele frequency attached by ClinVar (database versions not stated): gnomAD exomes 0.00156; 1000 Genomes Project 30x 0.00453; 1000 Genomes Project 0.00499; ESP Exome Variant Server 0.00523; gnomAD 0.00582 and 0.00641; TOPMed 0.00692.
gnomAD v4.1: 1,780 of 1,609,510 alleles (0.11%); highest among the groups gnomAD compares: African/African-American, 2.1%; 26 homozygotes.

Submissions (6):

Labcorp Genetics (formerly Invitae), Labcorp
Classification: Benign. Last evaluated: 2026-01-25. Review status: criteria provided, single submitter. Criteria: Invitae Variant Classification Sherloc (09022015). Collection method: clinical testing. Allele origin: germline.

GeneDx
Classification: Benign. Last evaluated: 2019-02-07. Review status: criteria provided, single submitter. Criteria: GeneDx Variant Classification Process June 2021. Collection method: clinical testing. Allele origin: germline. Affected: yes.

Athena Diagnostics
Classification: Benign. Last evaluated: 2018-04-18. Review status: criteria provided, single submitter. Criteria: Athena Diagnostics Criteria. Collection method: clinical testing. Allele origin: germline.

Illumina Laboratory Services, Illumina
Classification: Benign for VPS13A-related neurodegenerative disease. Last evaluated: 2018-01-13. Review status: criteria provided, single submitter. Criteria: ICSL Variant Classification Criteria 13 December 2019. Collection method: clinical testing. Allele origin: germline.
Comment: This variant was observed in the ICSL laboratory as part of a predisposition screen in an ostensibly healthy population. It had not been previously curated by ICSL or reported in the Human Gene Mutation Database (HGMD: prior to June 1st, 2018), and was therefore a candidate for classification through an automated scoring system. Utilizing variant allele frequency, disease prevalence and penetrance estimates, and inheritance mode, an automated score was calculated to assess if this variant is too frequent to cause the disease. Based on the score and internal cut-off values, a variant classified as benign is not then subjected to further curation. The score for this variant resulted in a classification of benign for this disease.

Breakthrough Genomics
Classification: Benign. Review status: criteria provided, single submitter. Criteria: ACMG Guidelines, 2015. Collection method: not provided. Allele origin: germline. Inheritance: Autosomal recessive inheritance. Affected: yes.

Natera, Inc.
Classification: Benign for Choreaacanthocytosis. Last evaluated: 2020-09-16. Review status: no assertion criteria provided. Collection method: clinical testing. Allele origin: germline. Not counted in ClinVar's aggregate classification.